The following is an entry in ClinVar:

ClinVar aggregate classification (germline): Uncertain significance. Review status: criteria provided, multiple submitters, no conflicts (2 of 4 stars). 2 submissions from 2 submitters: Uncertain significance (2). Last evaluated 2025-08-21.

Conditions:
Familial temporal lobe epilepsy 7. Identifiers: Orphanet 101046, MedGen C4225327, MONDO:0014639, OMIM 616436.
Norman-Roberts syndrome (LIS2). Also called: Lissencephaly 2 (Norman-Roberts type). Identifiers: Orphanet 89844, MedGen C0796089, MONDO:0009760, OMIM 257320.
Inborn genetic diseases. Identifiers: MedGen C0950123, MeSH D030342.

Allele frequency attached by ClinVar (database versions not stated): gnomAD exomes 0.00001; TOPMed 0.00001.
gnomAD v4.1: 3 of 1,614,168 alleles (0.00019%); highest among the groups gnomAD compares: Admixed American, 0.005%; no homozygotes.

Submissions (2):

Ambry Genetics
Classification: Uncertain significance for Inborn genetic diseases. Last evaluated: 2025-08-21. Review status: criteria provided, single submitter. Criteria: Ambry Variant Classification Scheme 2023. Collection method: clinical testing. Allele origin: germline.

Labcorp Genetics (formerly Invitae), Labcorp
Classification: Uncertain significance for Familial temporal lobe epilepsy 7; Norman-Roberts syndrome. Last evaluated: 2025-05-01. Review status: criteria provided, single submitter. Criteria: Invitae Variant Classification Sherloc (09022015). Collection method: clinical testing. Allele origin: germline.
Comment: This sequence change replaces histidine, which is basic and polar, with tyrosine, which is neutral and polar, at codon 3224 of the RELN protein (p.His3224Tyr). This variant is present in population databases (no rsID available, gnomAD 0.009%). This variant has not been reported in the literature in individuals affected with RELN-related conditions. ClinVar contains an entry for this variant (Variation ID: 2082597). Invitae Evidence Modeling of protein sequence and biophysical properties (such as structural, functional, and spatial information, amino acid conservation, physicochemical variation, residue mobility, and thermodynamic stability) indicates that this missense variant is not expected to disrupt RELN protein function with a negative predictive value of 80%. In summary, the available evidence is currently insufficient to determine the role of this variant in disease. Therefore, it has been classified as a Variant of Uncertain Significance.

NM_005045.4(RELN):c.9670C>T (p.His3224Tyr)

Genes: SLC26A5-AS1 (SLC26A5 antisense RNA 1; plus strand), RELN (reelin; minus strand), LOC126860130 (BRD4-independent group 4 enhancer GRCh37_chr7:103130126-103131325; plus strand). Cytogenetic location: 7q22.1.
Variant type: single nucleotide variant.
Coding change: c.9670C>T on transcript NM_005045.4 (MANE Select); coding-DNA position 9670, C replaced by T.
Protein change: p.His3224Tyr; replaces histidine 3224 with tyrosine.
Molecular consequence: missense variant.
Genome position (GRCh38, 1-based): chr7:103,489,835, G>A on the plus strand (C>T on the coding strand, the complement: RELN is on the minus strand). VCF-style: chr7-103489835-G-A. GRCh37 (hg19) VCF-style: chr7-103130282-G-A.
Other names: c.9670C>T, p.His3224Tyr (NM_173054.3); c.9670C>T (NM_005045.3); short protein forms H3224Y.
Identifiers: ClinVar variation 2082597 (VCV002082597.4), dbSNP rs1366382619, ClinGen allele CA368743897.